The following is an entry in ClinVar:

ClinVar aggregate classification (germline): Likely benign (1 of 4 stars; one submission).

gnomAD v4.1: 308 of 1,606,648 alleles (0.019%); highest among the groups gnomAD compares: Middle Eastern, 0.2%; no homozygotes.

Submission:

CeGaT Center for Human Genetics Tuebingen
Classification: Likely benign. Last evaluated: 2026-04-01. Review status: criteria provided, single submitter. Criteria: CeGaT Center For Human Genetics Tuebingen Variant Classification Criteria Version 2. Collection method: clinical testing. Allele origin: germline. Affected: yes. Observed: 1 variant allele.
Comment: DOCK4: BS2

NM_001363540.2(DOCK4):c.581C>T (p.Pro194Leu)

Gene: DOCK4 (dedicator of cytokinesis 4; minus strand). Cytogenetic location: 7q31.1.
Variant type: single nucleotide variant.
Coding change: c.581C>T on transcript NM_001363540.2 (MANE Select); coding-DNA position 581, C replaced by T.
Protein change: p.Pro194Leu; replaces proline 194 with leucine.
Molecular consequence: missense variant.
Genome position (GRCh38, 1-based): chr7:111,977,252, G>A on the plus strand (C>T on the coding strand, the complement: DOCK4 is on the minus strand). VCF-style: chr7-111977252-G-A. GRCh37 (hg19) VCF-style: chr7-111617307-G-A.
Other names: c.581C>T, p.Pro194Leu (NM_014705.4); short protein forms P194L.
Identifiers: ClinVar variation 4872428 (VCV004872428.2).
Genomic context (GRCh38, chr7:111,977,252, plus strand): 5'-AGGTTGGAACACATGAGGCTCTTCATCTGGACAAAGAGGTGGTGACTGCTGGCCTGCACC[G>A]GGGTGTCTTTCTTCCGATGTCGATGTTCCATCTGAATGACACCCCCCAACAAAAACATGA-3'
Protein context (NP_001350469.1, residues 184-204): MEHRHRKKDT[Pro194Leu]VQASSHHLFV